The following is an entry in ClinVar:

ClinVar aggregate classification (germline): Uncertain significance (1 of 4 stars; one submission).

gnomAD v4.1: 1 of 1,612,378 alleles (0.000062%); highest among the groups gnomAD compares: Admixed American, 0.0017%; no homozygotes.

Submission:

Labcorp Genetics (formerly Invitae), Labcorp
Classification: Uncertain significance. Last evaluated: 2022-05-15. Review status: criteria provided, single submitter. Criteria: Invitae Variant Classification Sherloc (09022015). Collection method: clinical testing. Allele origin: germline.
Comment: In summary, the available evidence is currently insufficient to determine the role of this variant in disease. Therefore, it has been classified as a Variant of Uncertain Significance. Algorithms developed to predict the effect of missense changes on protein structure and function are either unavailable or do not agree on the potential impact of this missense change (SIFT: "Deleterious"; PolyPhen-2: "Benign"; Align-GVGD: "Class C55"). This variant has not been reported in the literature in individuals affected with EFEMP1-related conditions. This variant is not present in population databases (gnomAD no frequency). This sequence change replaces serine, which is neutral and polar, with glycine, which is neutral and non-polar, at codon 287 of the EFEMP1 protein (p.Ser287Gly).

NM_001039348.3(EFEMP1):c.859A>G (p.Ser287Gly)

Gene: EFEMP1 (EGF-like fibulin extracellular matrix protein 1; minus strand). Cytogenetic location: 2p16.1.
Variant type: single nucleotide variant.
Coding change: c.859A>G on transcript NM_001039348.3 (MANE Select); coding-DNA position 859, A replaced by G.
Protein change: p.Ser287Gly; replaces serine 287 with glycine.
Molecular consequence: missense variant.
Genome position (GRCh38, 1-based): chr2:55,876,644, T>C on the plus strand (A>G on the coding strand, the complement: EFEMP1 is on the minus strand). VCF-style: chr2-55876644-T-C. GRCh37 (hg19) VCF-style: chr2-56103779-T-C.
Other names: c.859A>G, p.Ser287Gly (NM_001039349.3); short protein forms S287G.
Identifiers: ClinVar variation 2069652 (VCV002069652.4), dbSNP rs1337056250, ClinGen allele CA347028891.